The following is an entry in ClinVar:

NM_001024630.4(RUNX2):c.1171C>T (p.Arg391Ter)

Gene: RUNX2 (RUNX family transcription factor 2; plus strand). Cytogenetic location: 6p21.1.
Variant type: single nucleotide variant.
Coding change: c.1171C>T on transcript NM_001024630.4 (MANE Select); coding-DNA position 1171, C replaced by T.
Protein change: p.Arg391Ter; replaces arginine 391 with a stop codon.
Molecular consequence: nonsense.
Genome position (GRCh38, 1-based): chr6:45,546,910, C>T. VCF-style: chr6-45546910-C-T. GRCh37 (hg19) VCF-style: chr6-45514647-C-T.
Other names: c.1105C>T, p.Arg369Ter (NM_001015051.4); c.1063C>T, p.Arg355Ter (NM_001278478.2); c.1129C>T, p.Arg377Ter (NM_001369405.1); short protein forms R391*, R369*, R377*, R355*.
Identifiers: ClinVar variation 65625 (VCV000065625.18), dbSNP rs397515537, ClinGen allele CA344950.
Genomic context (GRCh38, chr6:45,546,910, plus strand): 5'-TCAGACCCCAGGCAGTTCCCAAGCATTTCATCCCTCACTGAGAGCCGCTTCTCCAACCCA[C>T]GAATGCACTATCCAGCCACCTTTACTTACACCCCGCCAGTCACCTCAGGCATGTCCCTCG-3'

ClinVar aggregate classification (germline): Pathogenic. Review status: criteria provided, multiple submitters, no conflicts (2 of 4 stars). 7 submissions from 7 submitters: Pathogenic (6). 1 of the submissions does not count toward it. Last evaluated 2025-03-13.

Conditions:
RUNX2-related disorder. Also called: RUNX2-related condition.
Cleidocranial dysostosis (CLCD1). Also called: cleidocranial dysplasia 1; Marie-Sainton disease; Cleidocranial Dysplasia Spectrum Disorder. Identifiers: Orphanet 1452, MedGen C0008928, MONDO:0007340, OMIM 119600.

Submissions (7):

GeneDx
Classification: Pathogenic. Last evaluated: 2025-03-13. Review status: criteria provided, single submitter. Criteria: GeneDx Variant Classification Process June 2021. Collection method: clinical testing. Allele origin: germline. Affected: yes.
Comment: Nonsense variant predicted to result in protein truncation, as the last 131 amino acids are lost, and other loss-of-function variants have been reported downstream in HGMD; Not observed at significant frequency in large population cohorts (gnomAD); This variant is associated with the following publications: (PMID: 33057194, 35982159, 10545612, 29357927, 21734816, 18316777, 24222232, 35169780, 38702915, 20301686)

3billion
Classification: Pathogenic for Cleidocranial dysostosis. Last evaluated: 2025-02-05. Review status: criteria provided, single submitter. Criteria: ACMG Guidelines, 2015. Collection method: clinical testing. Allele origin: germline. Affected: yes.
Comment: The variant is not observed in the gnomAD v4.1.0 dataset. Predicted Consequence/Location: Stop-gained (nonsense): predicted to result in a loss or disruption of normal protein function through protein truncation. The predicted truncated protein may be shortened by more than 10%. The variant has been reported at least twice as pathogenic with clinical assertions and evidence for the classification (ClinVar ID: VCV000065625 /PMID: 10545612 /3billion dataset). Therefore, this variant is classified as Pathogenic according to the recommendation of ACMG/AMP guideline.

Labcorp Genetics (formerly Invitae), Labcorp
Classification: Pathogenic. Last evaluated: 2024-10-13. Review status: criteria provided, single submitter. Criteria: Invitae Variant Classification Sherloc (09022015). Collection method: clinical testing. Allele origin: germline.
Comment: This sequence change creates a premature translational stop signal (p.Arg391*) in the RUNX2 gene. While this is not anticipated to result in nonsense mediated decay, it is expected to disrupt the last 131 amino acid(s) of the RUNX2 protein. This variant is not present in population databases (gnomAD no frequency). This premature translational stop signal has been observed in individual(s) with clinical features of cleidocranial dysplasia (PMID: 10545612, 24222232). In at least one individual the variant was observed to be de novo. ClinVar contains an entry for this variant (Variation ID: 65625). Algorithms developed to predict the effect of variants on gene product structure and function are not available or were not evaluated for this variant. Experimental studies have shown that this premature translational stop signal affects RUNX2 function (PMID: 10545612). For these reasons, this variant has been classified as Pathogenic.

Institute of Medical Genetics and Applied Genomics, University Hospital Tübingen
Classification: Pathogenic for Cleidocranial dysostosis. Last evaluated: 2024-08-05. Review status: criteria provided, single submitter. Criteria: ACMG Guidelines, 2015. Collection method: clinical testing. Allele origin: de novo. Inheritance: Autosomal dominant inheritance. Affected: yes.

Blueprint Genetics
Classification: Pathogenic for RUNX2-related disorders. Last evaluated: 2024-07-16. Review status: criteria provided, single submitter. Criteria: ACMG Guidelines, 2015. Collection method: clinical testing. Allele origin: germline. Affected: yes. Observed: 4 variant alleles.

Molecular Diagnostics Laboratory, M Health Fairview: University of Minnesota
Classification: Pathogenic for Cleidocranial dysostosis. Last evaluated: 2020-08-26. Review status: criteria provided, single submitter. Criteria: ACMG Guidelines, 2015. Collection method: clinical testing. Allele origin: germline. Affected: yes.

GeneReviews
No classification provided. Condition: Cleidocranial dysostosis. Review status: no classification provided. Collection method: literature only. Allele origin: germline. Not counted in ClinVar's aggregate classification.

Literature cited by the submitters: PubMed 10545612 (cited by 3billion and Labcorp Genetics (formerly Invitae), Labcorp); PubMed 24222232 (cited by Labcorp Genetics (formerly Invitae), Labcorp); NCBI Bookshelf NBK1513 (cited by GeneReviews).